The following is an entry in ClinVar:

ClinVar aggregate classification (germline): Benign/Likely benign. Review status: criteria provided, multiple submitters, no conflicts (2 of 4 stars). 2 submissions from 2 submitters: Benign (1); Likely benign (1). Last evaluated 2025-12-20.

Conditions:
PDK3-related disorder. Also called: PDK3-related condition.
Charcot-Marie-Tooth disease X-linked dominant 6. Also called: CHARCOT-MARIE-TOOTH NEUROPATHY, X-LINKED DOMINANT, 6. Identifiers: Orphanet 352675, MedGen C3806702, MONDO:0010479, OMIM 300905.

Allele frequency attached by ClinVar (database versions not stated): TOPMed 0.00008; gnomAD exomes 0.00009; ExAC 0.00012; gnomAD 0.00013.
gnomAD v4.1: 120 of 1,209,010 alleles (0.0099%); highest among the groups gnomAD compares: Non-Finnish European, 0.012%; no homozygotes.

Submissions (2):

Labcorp Genetics (formerly Invitae), Labcorp
Classification: Benign for Charcot-Marie-Tooth disease X-linked dominant 6. Last evaluated: 2025-12-20. Review status: criteria provided, single submitter. Criteria: Invitae Variant Classification Sherloc (09022015). Collection method: clinical testing. Allele origin: germline.

PreventionGenetics, part of Exact Sciences
Classification: Likely benign for PDK3-related condition. Last evaluated: 2025-10-15. Review status: criteria provided, single submitter. Criteria: ACMG Guidelines, 2015. Collection method: clinical testing. Allele origin: germline.
Comment: This variant is classified as likely benign based on ACMG/AMP sequence variant interpretation guidelines (Richards et al. 2015 PMID: 25741868, with internal and published modifications).

NM_005391.5(PDK3):c.36G>A (p.Val12=)

Gene: PDK3 (pyruvate dehydrogenase kinase 3; plus strand). Cytogenetic location: Xp22.11.
Variant type: single nucleotide variant.
Coding change: c.36G>A on transcript NM_005391.5 (MANE Select); coding-DNA position 36, G replaced by A.
Protein change: p.Val12=; no amino-acid change (valine 12 retained).
Molecular consequence: synonymous variant.
Genome position (GRCh38, 1-based): chrX:24,465,491, G>A. VCF-style: chrX-24465491-G-A. GRCh37 (hg19) VCF-style: chrX-24483608-G-A.
Other names: c.36G>A, p.Val12= (NM_001142386.3); c.36G>A (NM_001142386.2).
Identifiers: ClinVar variation 1167761 (VCV001167761.10), dbSNP rs747337773, ClinGen allele CA10372219.
Genomic context (GRCh38, chrX:24,465,491, plus strand): 5'-GGGTCTGTGCGCCGCCCGGGCGAGGATGCGGCTGTTCCGGTGGCTGCTGAAGCAGCCGGT[G>A]CCCAAGCAGATCGAGCGCTACTCGCGCTTTTCGCCGTCGCCGCTCTCCATCAAACAATTC-3'
Protein context (NP_005382.1, residues 2-22): RLFRWLLKQP[Val12=]PKQIERYSRF